The following is an entry in ClinVar:

ClinVar aggregate classification (germline): Uncertain significance (1 of 4 stars; one submission).

gnomAD v4.1: 1 of 1,613,750 alleles (0.000062%); highest among the groups gnomAD compares: South Asian, 0.0011%; no homozygotes.

Submission:

CeGaT Center for Human Genetics Tuebingen
Classification: Uncertain significance. Last evaluated: 2025-08-01. Review status: criteria provided, single submitter. Criteria: CeGaT Center For Human Genetics Tuebingen Variant Classification Criteria Version 2. Collection method: clinical testing. Allele origin: germline. Affected: yes. Observed: 1 variant allele.
Comment: CCND2: PP2

NM_001759.4(CCND2):c.250C>G (p.Leu84Val)

Genes: CCND2 (cyclin D2; plus strand), CCND2-AS1 (CCND2 antisense RNA 1; minus strand). Cytogenetic location: 12p13.32.
Variant type: single nucleotide variant.
Coding change: c.250C>G on transcript NM_001759.4 (MANE Select); coding-DNA position 250, C replaced by G.
Protein change: p.Leu84Val; replaces leucine 84 with valine.
Molecular consequence: missense variant. On other transcripts: non-coding transcript variant (1).
Genome position (GRCh38, 1-based): chr12:4,276,059, C>G. VCF-style: chr12-4276059-C-G. GRCh37 (hg19) VCF-style: chr12-4385225-C-G.
Other names: short protein forms L84V.
Identifiers: ClinVar variation 4084582 (VCV004084582.8).
Genomic context (GRCh38, chr12:4,276,059, plus strand): 5'-TTATAGGTCTGTGAGGAACAGAAGTGCGAAGAAGAGGTCTTCCCTCTGGCCATGAATTAC[C>G]TGGACCGTTTCTTGGCTGGGGTCCCGACTCCGAAGTCCCATCTGCAACTCCTGGGTGCTG-3'
Protein context (NP_001750.1, residues 74-94): EEVFPLAMNY[Leu84Val]DRFLAGVPTP